The following is an entry in ClinVar:

NM_032383.5(HPS3):c.2165dup (p.Gln723fs)

Gene: HPS3 (HPS3 biogenesis of lysosomal organelles complex 2 subunit 1; plus strand). Cytogenetic location: 3q24.
Variant type: Duplication.
Coding change: c.2165dup on transcript NM_032383.5 (MANE Select); coding-DNA position 2165, one base duplicated (G; older notation c.2165dupG).
Protein change: p.Gln723fs; shifts the reading frame from glutamine 723.
Molecular consequence: frameshift variant.
Genome position (GRCh38, 1-based): chr3:149,162,206, G duplicated; the last of 3 consecutive G bases (chr3:149,162,204-149,162,206); duplicating any one gives the same sequence. VCF-style (leftmost placement, unchanged base first): chr3-149162203-A-AG. GRCh37 (hg19) VCF-style: chr3-148879990-A-AG.
Other names: c.1670dup, p.Gln558fs (NM_001308258.2); short protein forms Q558fs, Q723fs.
Identifiers: ClinVar variation 5010571 (VCV005010571.1).

ClinVar aggregate classification (germline): Pathogenic (1 of 4 stars; one submission).

Conditions:
Hermansky-Pudlak syndrome 3 (HPS3). Identifiers: Orphanet 231512, Orphanet 79430, MedGen C3888001, MONDO:0013555, OMIM 614072.

Submission:

Myriad Genetics, Inc.
Classification: Pathogenic for Hermansky-Pudlak syndrome 3. Last evaluated: 2024-05-14. Review status: criteria provided, single submitter. Criteria: Myriad Autosomal Dominant, Autosomal Recessive and X-Linked Classification Criteria (2023). Collection method: clinical testing. Allele origin: unknown.
Comment: NM_032383.3(HPS3):c.2165dupG(Q723Tfs*35) is expected to be pathogenic in the context of Hermansky-Pudlak syndrome, HPS3-related. This variant is predicted to lead to an abnormal or absent protein product due to the creation of a premature termination codon in HPS3, a gene where loss-of-function variants are known to be pathogenic. Please note: this variant was assessed in the context of healthy population screening.